The following is an entry in ClinVar:

NM_012330.4(KAT6B):c.4208C>T (p.Ala1403Val)

Gene: KAT6B (lysine acetyltransferase 6B; plus strand). Cytogenetic location: 10q22.2.
Variant type: single nucleotide variant.
Coding change: c.4208C>T on transcript NM_012330.4 (MANE Select); coding-DNA position 4208, C replaced by T.
Protein change: p.Ala1403Val; replaces alanine 1403 with valine.
Molecular consequence: missense variant.
Genome position (GRCh38, 1-based): chr10:75,029,032, C>T. VCF-style: chr10-75029032-C-T. GRCh37 (hg19) VCF-style: chr10-76788790-C-T.
Other names: c.3659C>T, p.Ala1220Val (NM_001256468.2, NM_001370138.1); c.3332C>T, p.Ala1111Val (NM_001256469.2, NM_001370139.1, NM_001370140.1 and 2 more transcripts); c.3170C>T, p.Ala1057Val (NM_001370132.1); c.2519C>T, p.Ala840Val (NM_001370133.1); c.2123C>T, p.Ala708Val (NM_001370134.1); c.1865C>T, p.Ala622Val (NM_001370135.1); c.4208C>T, p.Ala1403Val (NM_001370136.1, NM_001370137.1); c.3143C>T, p.Ala1048Val (NM_001370143.1, NM_001370144.1); short protein forms A1057V, A1048V, A1111V, A1403V, A622V, A840V, A1220V, A708V.
Identifiers: ClinVar variation 2991365 (VCV002991365.3), dbSNP rs1160037448, ClinGen allele CA377296438.
Genomic context (GRCh38, chr10:75,029,032, plus strand): 5'-ATGGTGCTAAAAGCCAAGAAAAAGAGGAACCAGAAATCTCCACGGAAAAAGAAGACTCTG[C>T]ACGTTTGGATGATCACGAAGAGGAGGAGGAAGAGGATGAAGAGCCATCCCACAACGAGGA-3'
Protein context (NP_036462.2, residues 1393-1413): PEISTEKEDS[Ala1403Val]RLDDHEEEEE

ClinVar aggregate classification (germline): Uncertain significance (1 of 4 stars; one submission).

Conditions:
Genitopatellar syndrome (GTPTS). Also called: ABSENT PATELLAE, SCROTAL HYPOPLASIA, RENAL ANOMALIES, FACIAL DYSMORPHISM, AND MENTAL RETARDATION; Genitopatellar syndrome (GPS). Identifiers: Orphanet 85201, MedGen C1853566, MONDO:0011640, OMIM 606170.

Allele frequency attached by ClinVar (database versions not stated): gnomAD exomes below 0.00001; TOPMed 0.00001.
gnomAD v4.1: 1 of 1,614,054 alleles (0.000062%); highest among the groups gnomAD compares: African/African-American, 0.0013%; no homozygotes.

Submission:

Labcorp Genetics (formerly Invitae), Labcorp
Classification: Uncertain significance for Genitopatellar syndrome. Last evaluated: 2023-05-27. Review status: criteria provided, single submitter. Criteria: Invitae Variant Classification Sherloc (09022015). Collection method: clinical testing. Allele origin: germline.
Comment: This sequence change replaces alanine, which is neutral and non-polar, with valine, which is neutral and non-polar, at codon 1403 of the KAT6B protein (p.Ala1403Val). This variant is not present in population databases (gnomAD no frequency). This variant has not been reported in the literature in individuals affected with KAT6B-related conditions. Advanced modeling of protein sequence and biophysical properties (such as structural, functional, and spatial information, amino acid conservation, physicochemical variation, residue mobility, and thermodynamic stability) performed at Invitae indicates that this missense variant is not expected to disrupt KAT6B protein function. In summary, the available evidence is currently insufficient to determine the role of this variant in disease. Therefore, it has been classified as a Variant of Uncertain Significance.